The following is an entry in ClinVar:

ClinVar aggregate classification (germline): Uncertain significance (1 of 4 stars; one submission).

Conditions:
Epileptic encephalopathy. Identifiers: MedGen C0543888, HP:0200134.

Allele frequency attached by ClinVar (database versions not stated): gnomAD exomes 0.00008 and 0.00002; gnomAD 0.00001; TOPMed 0.00006; ExAC 0.00003.
gnomAD v4.1: 36 of 1,613,848 alleles (0.0022%); highest among the groups gnomAD compares: Admixed American, 0.055%; no homozygotes.

Submission:

Labcorp Genetics (formerly Invitae), Labcorp
Classification: Uncertain significance for Epileptic encephalopathy. Last evaluated: 2023-07-07. Review status: criteria provided, single submitter. Criteria: Invitae Variant Classification Sherloc (09022015). Collection method: clinical testing. Allele origin: germline.
Comment: ClinVar contains an entry for this variant (Variation ID: 576655). In summary, the available evidence is currently insufficient to determine the role of this variant in disease. Therefore, it has been classified as a Variant of Uncertain Significance. An algorithm developed to predict the effect of missense changes on protein structure and function (PolyPhen-2) suggests that this variant is likely to be tolerated. This variant has not been reported in the literature in individuals affected with RYR3-related conditions. This variant is present in population databases (rs762292478, gnomAD 0.06%), and has an allele count higher than expected for a pathogenic variant. This sequence change replaces leucine, which is neutral and non-polar, with phenylalanine, which is neutral and non-polar, at codon 1241 of the RYR3 protein (p.Leu1241Phe).

NM_001036.6(RYR3):c.3721C>T (p.Leu1241Phe)

Gene: RYR3 (ryanodine receptor 3; plus strand). Cytogenetic location: 15q14.
Variant type: single nucleotide variant.
Coding change: c.3721C>T on transcript NM_001036.6 (MANE Select); coding-DNA position 3721, C replaced by T.
Protein change: p.Leu1241Phe; replaces leucine 1241 with phenylalanine.
Molecular consequence: missense variant.
Genome position (GRCh38, 1-based): chr15:33,644,475, C>T. VCF-style: chr15-33644475-C-T. GRCh37 (hg19) VCF-style: chr15-33936676-C-T.
Other names: c.3721C>T, p.Leu1241Phe (NM_001243996.4); short protein forms L1241F.
Identifiers: ClinVar variation 576655 (VCV000576655.11), dbSNP rs762292478, ClinGen allele CA7458760.
Genomic context (GRCh38, chr15:33,644,475, plus strand): 5'-GGCTTTGAGCCTTTTGCTGTCAACATGAACAGAGATGTTGCTATGTGGTTCAGCAAGCGC[C>T]TCCCGACGTTTGTCAACGTGCCAAAGGATCATCCACACATAGAGGTAATGTTACACAATG-3'
Protein context (NP_001027.3, residues 1231-1251): RDVAMWFSKR[Leu1241Phe]PTFVNVPKDH